The following is an entry in ClinVar:

ClinVar aggregate classification (germline): Benign/Likely benign. Review status: criteria provided, multiple submitters, no conflicts (2 of 4 stars). 3 submissions from 3 submitters: Benign (1); Likely benign (2). Last evaluated 2026-07-01.

Submissions (3):

CeGaT Center for Human Genetics Tuebingen
Classification: Likely benign. Last evaluated: 2026-07-01. Review status: criteria provided, single submitter. Criteria: CeGaT Center For Human Genetics Tuebingen Variant Classification Criteria Version 2. Collection method: clinical testing. Allele origin: germline. Affected: yes. Observed: 1 variant allele.
Comment: SLC9A1: BP4, BS1

Labcorp Genetics (formerly Invitae), Labcorp
Classification: Benign. Last evaluated: 2025-11-11. Review status: criteria provided, single submitter. Criteria: Invitae Variant Classification Sherloc (09022015). Collection method: clinical testing. Allele origin: germline.

Mayo Clinic Laboratories, Mayo Clinic
Classification: Likely benign. Last evaluated: 2024-10-14. Review status: criteria provided, single submitter. Criteria: ACMG Guidelines, 2015. Collection method: clinical testing. Allele origin: germline. Observed: 2 variant alleles.
Comment: BP4, BP7

NM_003047.5(SLC9A1):c.1647-15TCC[4]

Gene: SLC9A1 (solute carrier family 9 member A1; minus strand). Cytogenetic location: 1p36.11.
Variant type: Microsatellite.
Coding change: c.1647-15TCC[4] on transcript NM_003047.5 (MANE Select); four copies in a row of the 3-base unit TCC starting at c.1647-15; the reference has three copies in a row; one copy, 3 bases duplicated.
Molecular consequence: intron variant.
Genome position (GRCh38, 1-based): chr1:27,102,565-27,102,567, GGA duplicated on the plus strand (TCC on the coding strand, the reverse complement: SLC9A1 is on the minus strand); duplicating any 3 consecutive bases within chr1:27,102,565-27,102,575 gives the same sequence; the position shown is the placement nearest the transcript's 3' end. VCF-style (leftmost placement, unchanged base first): chr1-27102564-G-GGGA. GRCh37 (hg19) VCF-style: chr1-27429055-G-GGGA.
Other names: p.?; c.1647-9_1647-7dup (NM_003047.5).
Identifiers: ClinVar variation 2143760 (VCV002143760.6), dbSNP rs373443896, ClinGen allele CA711017.